The following is an entry in ClinVar:

ClinVar aggregate classification (germline): Pathogenic (1 of 4 stars; one submission).

Submission:

Labcorp Genetics (formerly Invitae), Labcorp
Classification: Pathogenic. Last evaluated: 2020-10-07. Review status: criteria provided, single submitter. Criteria: Invitae Variant Classification Sherloc (09022015). Collection method: clinical testing. Allele origin: germline.
Comment: This sequence change creates a premature translational stop signal (p.Ser35Argfs*18) in the FH gene. It is expected to result in an absent or disrupted protein product. The frequency data for this variant in the population databases is considered unreliable, as metrics indicate insufficient coverage at this position in the ExAC database. This variant has not been reported in the literature in individuals with FH-related conditions. Loss-of-function variants in FH are known to be pathogenic (PMID: 11865300, 21398687). For these reasons, this variant has been classified as Pathogenic.

Literature cited by the submitters: PubMed 11865300; PubMed 21398687.

NM_000143.4(FH):c.102del (p.Ser35fs)

Gene: FH (fumarate hydratase; minus strand). Cytogenetic location: 1q43.
Variant type: Deletion.
Coding change: c.102del on transcript NM_000143.4 (MANE Select); coding-DNA position 102, one base deleted (C; older notation c.102delC).
Protein change: p.Ser35fs; shifts the reading frame from serine 35.
Molecular consequence: frameshift variant.
Genome position (GRCh38, 1-based): chr1:241,519,621, G deleted on the plus strand (C on the coding strand, the reverse complement: FH is on the minus strand); the first of 3 consecutive G bases (chr1:241,519,621-241,519,623); deleting any one gives the same sequence. VCF-style (leftmost placement, unchanged base first): chr1-241519620-AG-A. GRCh37 (hg19) VCF-style: chr1-241682920-AG-A.
Other names: short protein forms S35fs.
Identifiers: ClinVar variation 1069140 (VCV001069140.9), dbSNP rs2147926893, ClinGen allele CA2499214641.